The following is an entry in ClinVar:

ClinVar aggregate classification (germline): Uncertain significance. Review status: criteria provided, multiple submitters, no conflicts (2 of 4 stars). 2 submissions from 2 submitters: Uncertain significance (2). Last evaluated 2024-08-30.

Conditions:
Autosomal recessive limb-girdle muscular dystrophy type 2L (LGMDR12). Also called: MUSCULAR DYSTROPHY, LIMB-GIRDLE, AUTOSOMAL RECESSIVE 12; Limb-girdle muscular dystrophy, type 2L; Limb-Girdle Muscular Dystrophy R12 Anoctamin-5-Related (LGMD-R12). Identifiers: Orphanet 206549, MedGen C1969785, MONDO:0012652, OMIM 611307.
Gnathodiaphyseal dysplasia (GDD). Also called: GNATHODIAPHYSEAL SCLEROSIS; OSTEOGENESIS IMPERFECTA WITH UNUSUAL SKELETAL LESIONS. Identifiers: Orphanet 53697, MedGen C1833736, MONDO:0008151, OMIM 166260.

gnomAD v4.1: 4 of 1,609,538 alleles (0.00025%); highest among the groups gnomAD compares: Non-Finnish European, 0.00034%; no homozygotes.

Submissions (2):

Blueprint Genetics
Classification: Uncertain significance. Last evaluated: 2024-08-30. Review status: criteria provided, single submitter. Criteria: ACMG Guidelines, 2015. Collection method: clinical testing. Allele origin: germline.

Labcorp Genetics (formerly Invitae), Labcorp
Classification: Uncertain significance for Autosomal recessive limb-girdle muscular dystrophy type 2L; Gnathodiaphyseal dysplasia. Last evaluated: 2022-08-09. Review status: criteria provided, single submitter. Criteria: Invitae Variant Classification Sherloc (09022015). Collection method: clinical testing. Allele origin: germline.
Comment: In summary, the available evidence is currently insufficient to determine the role of this variant in disease. Therefore, it has been classified as a Variant of Uncertain Significance. Advanced modeling of protein sequence and biophysical properties (such as structural, functional, and spatial information, amino acid conservation, physicochemical variation, residue mobility, and thermodynamic stability) performed at Invitae indicates that this missense variant is expected to disrupt ANO5 protein function. This sequence change replaces phenylalanine, which is neutral and non-polar, with isoleucine, which is neutral and non-polar, at codon 835 of the ANO5 protein (p.Phe835Ile). This variant is not present in population databases (gnomAD no frequency). This variant has not been reported in the literature in individuals affected with ANO5-related conditions. ClinVar contains an entry for this variant (Variation ID: 1009916).

NM_213599.3(ANO5):c.2503T>A (p.Phe835Ile)

Gene: ANO5 (anoctamin 5; plus strand). Cytogenetic location: 11p14.3.
Variant type: single nucleotide variant.
Coding change: c.2503T>A on transcript NM_213599.3 (MANE Select); coding-DNA position 2503, T replaced by A.
Protein change: p.Phe835Ile; replaces phenylalanine 835 with isoleucine.
Molecular consequence: missense variant.
Genome position (GRCh38, 1-based): chr11:22,276,182, T>A. VCF-style: chr11-22276182-T-A. GRCh37 (hg19) VCF-style: chr11-22297728-T-A.
Other names: c.2500T>A, p.Phe834Ile (NM_001142649.2); short protein forms F834I, F835I.
Identifiers: ClinVar variation 1009916 (VCV001009916.10), dbSNP rs374725506, ClinGen allele CA379924692.